The following is an entry in ClinVar:

NM_000127.3(EXT1):c.1885T>C (p.Tyr629His)

Gene: EXT1 (exostosin glycosyltransferase 1; minus strand). Cytogenetic location: 8q24.11.
Variant type: single nucleotide variant.
Coding change: c.1885T>C on transcript NM_000127.3 (MANE Select); coding-DNA position 1885, T replaced by C.
Protein change: p.Tyr629His; replaces tyrosine 629 with histidine.
Molecular consequence: missense variant.
Genome position (GRCh38, 1-based): chr8:117,804,892, A>G on the plus strand (T>C on the coding strand, the complement: EXT1 is on the minus strand). VCF-style: chr8-117804892-A-G. GRCh37 (hg19) VCF-style: chr8-118817131-A-G.
Other names: short protein forms Y629H.
Identifiers: ClinVar variation 1912302 (VCV001912302.5), dbSNP rs2488085735, ClinGen allele CA371877784.
Genomic context (GRCh38, chr8:117,804,892, plus strand): 5'-ATTGGTCCACCATGTTCTTCAGGCTGGCTGGCAGGTAATGGGAGTATAGGTAGTGATAAT[A>G]TCTGTAAAAATCAAAGATGGGTTTCACAGGGGGCCATTATCACATGATGACAAGTGGACT-3'
Protein context (NP_000118.2, residues 619-639): VLTGAAIYHK[Tyr629His]YHYLYSHYLP

ClinVar aggregate classification (germline): Uncertain significance (1 of 4 stars; one submission).

Conditions:
Multiple congenital exostosis (EXT). Also called: Multiple osteochondromas; Hereditary multiple osteochondromas; Hereditary multiple exostoses; Hereditary multiple exostosis; MULTIPLE CARTILAGINOUS EXOSTOSES; Multiple exostoses. Identifiers: Orphanet 321, MedGen C0015306, MONDO:0005508, HP:0002762.

gnomAD v4.1: 1 of 1,614,002 alleles (0.000062%); no homozygotes.

Submission:

Labcorp Genetics (formerly Invitae), Labcorp
Classification: Uncertain significance for Multiple congenital exostosis. Last evaluated: 2025-07-27. Review status: criteria provided, single submitter. Criteria: Invitae Variant Classification Sherloc (09022015). Collection method: clinical testing. Allele origin: germline.
Comment: This sequence change replaces tyrosine, which is neutral and polar, with histidine, which is basic and polar, at codon 629 of the EXT1 protein (p.Tyr629His). This variant is not present in population databases (gnomAD no frequency). This variant has not been reported in the literature in individuals affected with EXT1-related conditions. ClinVar contains an entry for this variant (Variation ID: 1912302). An algorithm developed to predict the effect of missense changes on protein structure and function (PolyPhen-2) suggests that this variant is likely to be disruptive. In summary, the available evidence is currently insufficient to determine the role of this variant in disease. Therefore, it has been classified as a Variant of Uncertain Significance.